The following is an entry in ClinVar:

ClinVar aggregate classification (germline): Likely benign (1 of 4 stars; one submission).

Conditions:
COL10A1-related disorder. Also called: COL10A1-related condition.

Submission:

PreventionGenetics, part of Exact Sciences
Classification: Likely benign for COL10A1-related condition. Last evaluated: 2026-05-04. Review status: criteria provided, single submitter. Criteria: ACMG Guidelines, 2015. Collection method: clinical testing. Allele origin: germline.
Comment: This variant is classified as likely benign based on ACMG/AMP sequence variant interpretation guidelines (Richards et al. 2015 PMID: 25741868, with internal and published modifications).

NM_000493.4(COL10A1):c.2037A>C (p.Pro679=)

Genes: COL10A1 (collagen type X alpha 1 chain; minus strand), NT5DC1 (5'-nucleotidase domain containing 1; plus strand). Cytogenetic location: 6q22.1.
Variant type: single nucleotide variant.
Coding change: c.2037A>C on transcript NM_000493.4 (MANE Select); coding-DNA position 2037, A replaced by C.
Protein change: p.Pro679=; no amino-acid change (proline 679 retained).
Molecular consequence: synonymous variant. On other transcripts: intron variant (1).
Genome position (GRCh38, 1-based): chr6:116,120,079, T>G on the plus strand (A>C on the coding strand, the complement: COL10A1 is on the minus strand). VCF-style: chr6-116120079-T-G. GRCh37 (hg19) VCF-style: chr6-116441242-T-G.
Other names: c.2037A>C, p.Pro679= (NM_001424106.1, NM_001424107.1); c.529+2134T>G (NM_152729.3).
Identifiers: ClinVar variation 4996368 (VCV004996368.1).